The following is an entry in ClinVar:

NM_013254.4(TBK1):c.1538G>A (p.Gly513Glu)

Gene: TBK1 (TANK binding kinase 1; plus strand). Cytogenetic location: 12q14.2.
Variant type: single nucleotide variant.
Coding change: c.1538G>A on transcript NM_013254.4 (MANE Select); coding-DNA position 1538, G replaced by A.
Protein change: p.Gly513Glu; replaces glycine 513 with glutamic acid.
Molecular consequence: missense variant.
Genome position (GRCh38, 1-based): chr12:64,495,499, G>A. VCF-style: chr12-64495499-G-A. GRCh37 (hg19) VCF-style: chr12-64889279-G-A.
Other names: short protein forms G513E.
Identifiers: ClinVar variation 4853188 (VCV004853188.1).
Genomic context (GRCh38, chr12:64,495,499, plus strand): 5'-TCTGGCTTTTGGCAATCTGGATCTGAACCTTTGGTTTTATTTAGCTTTCCAGTTCTCAGG[G>A]AACAATAGAAACCAGTCTTCAGGATATCGACAGCAGATTATCTCCAGGTGGATCACTGGC-3'
Protein context (NP_037386.1, residues 503-523): TKLLRLSSSQ[Gly513Glu]TIETSLQDID

ClinVar aggregate classification (germline): Uncertain significance (1 of 4 stars; one submission).

Submission:

Women's Health and Genetics/Laboratory Corporation of America, LabCorp
Classification: Uncertain significance. Last evaluated: 2026-05-12. Review status: criteria provided, single submitter. Criteria: LabCorp Variant Classification Summary - May 2015. Collection method: clinical testing. Allele origin: germline.
Comment: Variant summary: TBK1 c.1538G>A (p.Gly513Glu) results in a non-conservative amino acid change in the encoded protein sequence. Algorithms developed to predict the effect of missense changes on protein structure and function are either unavailable or do not agree on the potential impact of this missense change. The variant allele was found at a frequency of 4e-06 in 250760 control chromosomes (gnomAD). The available data on variant occurrences in the general population are insufficient to allow any conclusion about variant significance. To our knowledge, no occurrence of c.1538G>A in individuals affected with TBK1-related conditions has been reported. At least one publication reports experimental evidence evaluating an impact on protein function. These results showed no damaging effect of this variant to NFkB activity (Verheijen_2018). The following publication has been ascertained in the context of this evaluation (PMID: 29146049). No submitters have cited clinical-significance assessments for this variant to ClinVar. Based on the evidence outlined above, the variant was classified as uncertain significance.

Literature cited by the submitters: PubMed 29146049.